The following is an entry in ClinVar:

ClinVar aggregate classification (germline): Likely benign. Review status: criteria provided, multiple submitters, no conflicts (2 of 4 stars). 3 submissions from 3 submitters: Likely benign (2). 1 of the submissions does not count toward it. Last evaluated 2026-01-11.

Conditions:
PALLD-related disorder. Also called: PALLD-related condition.
Pancreatic adenocarcinoma. Identifiers: MedGen C0281361, MONDO:0006047, HP:0006725.

Allele frequency attached by ClinVar (database versions not stated): gnomAD 0.00004 and 0.00005; gnomAD exomes 0.00008 and 0.00036; TOPMed 0.00013; 1000 Genomes Project 30x 0.00031.
gnomAD v4.1: 44 of 1,492,968 alleles (0.0029%); highest among the groups gnomAD compares: Admixed American, 0.094%; no homozygotes.

Submissions (3):

Labcorp Genetics (formerly Invitae), Labcorp
Classification: Likely benign for Pancreatic adenocarcinoma. Last evaluated: 2026-01-11. Review status: criteria provided, single submitter. Criteria: Invitae Variant Classification Sherloc (09022015). Collection method: clinical testing. Allele origin: germline.

Ambry Genetics
Classification: Likely benign. Last evaluated: 2024-07-29. Review status: criteria provided, single submitter. Criteria: Ambry Variant Classification Scheme 2023. Collection method: clinical testing. Allele origin: germline.

PreventionGenetics, part of Exact Sciences
Classification: Uncertain significance for PALLD-related condition. Last evaluated: 2024-06-21. Review status: no assertion criteria provided. Collection method: clinical testing. Allele origin: germline. Not counted in ClinVar's aggregate classification.
Comment: The PALLD c.133C>A variant is predicted to result in the amino acid substitution p.Pro45Thr. This variant is referred to as c.1965-12898C>A (intronic) with an alternate transcript NM_016081. To our knowledge, this variant has not been reported in the literature. This variant is reported in 0.17% of alleles in individuals of Latino descent in gnomAD and has conflicting interpretations regarding its pathogenicity in ClinVar, ranging from uncertain to likely benign. Although we suspect that this variant may be benign, at this time, the clinical significance of this variant is uncertain due to the absence of conclusive functional and genetic evidence.

NM_001166108.2(PALLD):c.1965-12898C>A

Gene: PALLD (palladin, cytoskeletal associated protein; plus strand). Cytogenetic location: 4q32.3.
Variant type: single nucleotide variant.
Coding change: c.1965-12898C>A on transcript NM_001166108.2 (MANE Select); 12898 bases into the intron before coding-DNA position 1965, C replaced by A.
Molecular consequence: intron variant. On other transcripts: missense variant (1).
Genome position (GRCh38, 1-based): chr4:168,878,024, C>A. VCF-style: chr4-168878024-C-A. GRCh37 (hg19) VCF-style: chr4-169799175-C-A.
Other names: c.133C>A, p.Pro45Thr (NM_001166110.2); c.1965-12898C>A (NM_016081.4); c.819-12898C>A (NM_001166109.2); c.-157-12898C>A (NM_001367570.1, NM_001367568.1, NM_001367567.1 and 1 more transcripts); short protein forms P45T.
Identifiers: ClinVar variation 700415 (VCV000700415.14), dbSNP rs1025237623, ClinGen allele CA110515922.